The following is an entry in ClinVar:

ClinVar aggregate classification (germline): Uncertain significance (1 of 4 stars; one submission).

Conditions:
Colorectal cancer, hereditary nonpolyposis, type 7. Identifiers: Orphanet 144, MedGen C1858380, MONDO:0013725, OMIM 614385.

Submission:

Labcorp Genetics (formerly Invitae), Labcorp
Classification: Uncertain significance for Colorectal cancer, hereditary nonpolyposis, type 7. Last evaluated: 2022-02-23. Review status: criteria provided, single submitter. Criteria: Invitae Variant Classification Sherloc (09022015). Collection method: clinical testing. Allele origin: germline.
Comment: This sequence change replaces proline, which is neutral and non-polar, with arginine, which is basic and polar, at codon 281 of the MLH3 protein (p.Pro281Arg). This variant is not present in population databases (gnomAD no frequency). This variant has not been reported in the literature in individuals affected with MLH3-related conditions. Algorithms developed to predict the effect of missense changes on protein structure and function are either unavailable or do not agree on the potential impact of this missense change (SIFT: "Tolerated"; PolyPhen-2: "Possibly Damaging"; Align-GVGD: "Class C0"). In summary, the available evidence is currently insufficient to determine the role of this variant in disease. Therefore, it has been classified as a Variant of Uncertain Significance.

NM_001040108.2(MLH3):c.842C>G (p.Pro281Arg)

Gene: MLH3 (mutL homolog 3; minus strand). Cytogenetic location: 14q24.3.
Variant type: single nucleotide variant.
Coding change: c.842C>G on transcript NM_001040108.2 (MANE Select); coding-DNA position 842, C replaced by G.
Protein change: p.Pro281Arg; replaces proline 281 with arginine.
Molecular consequence: missense variant.
Genome position (GRCh38, 1-based): chr14:75,048,814, G>C on the plus strand (C>G on the coding strand, the complement: MLH3 is on the minus strand). VCF-style: chr14-75048814-G-C. GRCh37 (hg19) VCF-style: chr14-75515517-G-C.
Other names: c.842C>G, p.Pro281Arg (NM_014381.3); short protein forms P281R.
Identifiers: ClinVar variation 2102672 (VCV002102672.4), dbSNP rs2139597686, ClinGen allele CA390448918.